The following is an entry in ClinVar:

NM_001267550.2(TTN):c.88047G>A (p.Lys29349=)

Genes: TTN (titin; minus strand), TTN-AS1 (TTN antisense RNA 1; plus strand). Cytogenetic location: 2q31.2.
Variant type: single nucleotide variant.
Coding change: c.88047G>A on transcript NM_001267550.2 (MANE Select); coding-DNA position 88047, G replaced by A.
Protein change: p.Lys29349=; no amino-acid change (lysine 29349 retained).
Molecular consequence: synonymous variant.
Genome position (GRCh38, 1-based): chr2:178,557,107, C>T on the plus strand (G>A on the coding strand, the complement: TTN is on the minus strand). VCF-style: chr2-178557107-C-T. GRCh37 (hg19) VCF-style: chr2-179421834-C-T.
Other names: c.83124G>A, p.Lys27708= (NM_001256850.1); c.60852G>A, p.Lys20284= (NM_003319.4); c.80343G>A, p.Lys26781= (NM_133378.4); c.61227G>A, p.Lys20409= (NM_133432.3); c.61428G>A, p.Lys20476= (NM_133437.4).
Identifiers: ClinVar variation 894708 (VCV000894708.11), dbSNP rs748102856, ClinGen allele CA1988209.

ClinVar aggregate classification (germline): Conflicting classifications of pathogenicity. Review status: criteria provided, conflicting classifications (1 of 4 stars). 7 submissions from 3 submitters: Uncertain significance (5); Likely benign (2). Last evaluated 2025-11-01.

Conditions:
Cardiovascular phenotype. Identifiers: MedGen CN230736.
Tibial muscular dystrophy (TMD). Also called: Udd Distal Myopathy – Tibial Muscular Dystrophy; UDD MYOPATHY; Tibial muscular dystrophy, tardive. Identifiers: Orphanet 609, MedGen C1838244, MONDO:0010870, OMIM 600334.
Dilated cardiomyopathy 1G (CMD1G). Identifiers: Orphanet 154, MedGen C1858763, MONDO:0011400, OMIM 604145.
Early-onset myopathy with fatal cardiomyopathy (CMYO5). Also called: CONGENITAL MYOPATHY 5 WITH CARDIOMYOPATHY; Salih Myopathy. Identifiers: Orphanet 289377, MedGen C2673677, MONDO:0012714, OMIM 611705. Disease mechanism: loss of function.
Myopathy, myofibrillar, 9, with early respiratory failure (MFM9). Also called: MYOPATHY, PROXIMAL, WITH EARLY RESPIRATORY MUSCLE INVOLVEMENT; Hereditary myopathy with early respiratory failure; Myopathy, distal, with early respiratory failure, autosomal dominant; EDSTROM MYOPATHY. Identifiers: Orphanet 178464, Orphanet 34521, MedGen C1863599, MONDO:0011362, OMIM 603689.
Autosomal recessive limb-girdle muscular dystrophy type 2J (LGMDR10). Also called: Limb-girdle muscular dystrophy, type 2J; MUSCULAR DYSTROPHY, LIMB-GIRDLE, AUTOSOMAL RECESSIVE 10. Identifiers: Orphanet 140922, MedGen C1837342, MONDO:0012127, OMIM 608807.

gnomAD v4.1: 2 of 1,613,682 alleles (0.00012%); no homozygotes.

Submissions (7):

CeGaT Center for Human Genetics Tuebingen
Classification: Likely benign. Last evaluated: 2025-11-01. Review status: criteria provided, single submitter. Criteria: CeGaT Center For Human Genetics Tuebingen Variant Classification Criteria Version 2. Collection method: clinical testing. Allele origin: germline. Affected: yes. Observed: 1 variant allele.
Comment: TTN: BP4

Ambry Genetics
Classification: Likely benign for Cardiovascular phenotype. Last evaluated: 2024-09-24. Review status: criteria provided, single submitter. Criteria: Ambry Variant Classification Scheme 2023. Collection method: clinical testing. Allele origin: germline.

Illumina Laboratory Services, Illumina
Classification: Uncertain significance for Dilated cardiomyopathy 1G. Last evaluated: 2018-01-13. Review status: criteria provided, single submitter. Criteria: ICSL Variant Classification Criteria 13 December 2019. Collection method: clinical testing. Allele origin: germline.

Illumina Laboratory Services, Illumina
Classification: Uncertain significance for Myopathy, myofibrillar, 9, with early respiratory failure. Last evaluated: 2018-01-13. Review status: criteria provided, single submitter. Criteria: ICSL Variant Classification Criteria 13 December 2019. Collection method: clinical testing. Allele origin: germline.

Illumina Laboratory Services, Illumina
Classification: Uncertain significance for Early-onset myopathy with fatal cardiomyopathy. Last evaluated: 2018-01-13. Review status: criteria provided, single submitter. Criteria: ICSL Variant Classification Criteria 13 December 2019. Collection method: clinical testing. Allele origin: germline.

Illumina Laboratory Services, Illumina
Classification: Uncertain significance for Tibial muscular dystrophy. Last evaluated: 2018-01-13. Review status: criteria provided, single submitter. Criteria: ICSL Variant Classification Criteria 13 December 2019. Collection method: clinical testing. Allele origin: germline.

Illumina Laboratory Services, Illumina
Classification: Uncertain significance for Autosomal recessive limb-girdle muscular dystrophy type 2J. Last evaluated: 2018-01-13. Review status: criteria provided, single submitter. Criteria: ICSL Variant Classification Criteria 13 December 2019. Collection method: clinical testing. Allele origin: germline.